The following is an entry in ClinVar:

NM_001267550.2(TTN):c.54731_54732delinsAA (p.Phe18244Ter)

Genes: TTN (titin; minus strand), TTN-AS1 (TTN antisense RNA 1; plus strand). Cytogenetic location: 2q31.2.
Variant type: Indel.
Coding change: c.54731_54732delinsAA on transcript NM_001267550.2 (MANE Select); coding-DNA positions 54731 to 54732, TC replaced by AA.
Protein change: p.Phe18244Ter; replaces phenylalanine 18244 with a stop codon.
Molecular consequence: nonsense.
Genome position (GRCh38, 1-based): chr2:178,603,955-178,603,956, GA replaced by TT on the plus strand (TC replaced by AA on the coding strand, the reverse complement: TTN is on the minus strand). VCF-style: chr2-178603955-GA-TT. GRCh37 (hg19) VCF-style: chr2-179468682-GA-TT.
Other names: c.49808_49809delinsAA, p.Phe16603Ter (NM_001256850.1); c.27536_27537delinsAA, p.Phe9179Ter (NM_003319.4); c.47027_47028delinsAA, p.Phe15676Ter (NM_133378.4); c.27911_27912delinsAA, p.Phe9304Ter (NM_133432.3); c.28112_28113delinsAA, p.Phe9371Ter (NM_133437.4); short protein forms F18244*, F16603*, F9371*, F15676*, F9179*, F9304*.
Identifiers: ClinVar variation 4784701 (VCV004784701.1).

ClinVar aggregate classification (germline): Likely pathogenic (1 of 4 stars; one submission).

Conditions:
Dilated cardiomyopathy 1G (CMD1G). Identifiers: Orphanet 154, MedGen C1858763, MONDO:0011400, OMIM 604145.
Autosomal recessive limb-girdle muscular dystrophy type 2J (LGMDR10). Also called: Limb-girdle muscular dystrophy, type 2J; MUSCULAR DYSTROPHY, LIMB-GIRDLE, AUTOSOMAL RECESSIVE 10. Identifiers: Orphanet 140922, MedGen C1837342, MONDO:0012127, OMIM 608807.

Submission:

Labcorp Genetics (formerly Invitae), Labcorp
Classification: Likely pathogenic for Dilated cardiomyopathy 1G; Autosomal recessive limb-girdle muscular dystrophy type 2J. Last evaluated: 2025-04-13. Review status: criteria provided, single submitter. Criteria: Invitae Variant Classification Sherloc (09022015). Collection method: clinical testing. Allele origin: germline.
Comment: This sequence change creates a premature translational stop signal (p.Phe18244*) in the TTN gene. While this is not anticipated to result in nonsense mediated decay, it is expected to create a truncated TTN protein. Information on the frequency of this variant in the gnomAD database is not available, as this variant may be reported differently in the database. This premature translational stop signal has been observed in individual(s) with dilated cardiomyopathy (internal data). This variant is located in the A band of TTN (PMID: 25589632). Truncating variants in this region are significantly overrepresented in patients affected with dilated cardiomyopathy (PMID: 25589632). Truncating variants in this region have also been reported in individuals affected with autosomal recessive centronuclear myopathy (PMID: 23975875). In summary, the currently available evidence indicates that the variant is pathogenic, but additional data are needed to prove that conclusively. Therefore, this variant has been classified as Likely Pathogenic.

Literature cited by the submitters: PubMed 25589632; PubMed 23975875.